The following is an entry in ClinVar:

NC_000003.12:g.169764919G>T

Genes: TERC (telomerase RNA component; minus strand), LOC110806306 (telomerase RNA component (TERC) promoter; plus strand). Cytogenetic location: 3q26.2.
Variant type: single nucleotide variant.
Genome position: GRCh38 VCF-style: chr3-169764919-G-T. GRCh37 (hg19) VCF-style: chr3-169482707-G-T.
Identifiers: ClinVar variation 644483 (VCV000644483.9), dbSNP rs1560578689, ClinGen allele CA436715651.

ClinVar aggregate classification (germline): Uncertain significance (1 of 4 stars; one submission).

Conditions:
Dyskeratosis congenita, autosomal dominant 1 (DKCA1). Also called: Dyskeratosis congenita Scoggins type. Identifiers: Orphanet 1775, MedGen C4551974, MONDO:0007485, OMIM 127550. Inheritance: Variable.

Submission:

Labcorp Genetics (formerly Invitae), Labcorp
Classification: Uncertain significance for Dyskeratosis congenita, autosomal dominant 1. Last evaluated: 2022-07-26. Review status: criteria provided, single submitter. Criteria: Invitae Variant Classification Sherloc (09022015). Collection method: clinical testing. Allele origin: germline.
Comment: ClinVar contains an entry for this variant (Variation ID: 644483). In summary, the available evidence is currently insufficient to determine the role of this variant in disease. Therefore, it has been classified as a Variant of Uncertain Significance. This variant is located within the template/pseudoknot domain of the TERC RNA component, which is required for RNA or RNP stability (PMID: 15082312, 21844345). This variant has not been reported in the literature in individuals affected with TERC-related conditions. This variant is not present in population databases (gnomAD no frequency). This variant occurs in the TERC gene, which encodes an RNA molecule that does not result in a protein product.

Literature cited by the submitters: PubMed 15082312; PubMed 21844345.